The following is an entry in ClinVar:

NM_021961.6(TEAD1):c.952A>T (p.Met318Leu)

Gene: TEAD1 (TEA domain transcription factor 1; plus strand). Cytogenetic location: 11p15.3.
Variant type: single nucleotide variant.
Coding change: c.952A>T on transcript NM_021961.6 (MANE Select); coding-DNA position 952, A replaced by T.
Protein change: p.Met318Leu; replaces methionine 318 with leucine.
Molecular consequence: missense variant.
Genome position (GRCh38, 1-based): chr11:12,924,990, A>T. VCF-style: chr11-12924990-A-T. GRCh37 (hg19) VCF-style: chr11-12946537-A-T.
Other names: short protein forms M318L.
Identifiers: ClinVar variation 1021680 (VCV001021680.8), dbSNP rs1948881839, ClinGen allele CA379708349.

ClinVar aggregate classification (germline): Uncertain significance (1 of 4 stars; one submission).

Submission:

Labcorp Genetics (formerly Invitae), Labcorp
Classification: Uncertain significance. Last evaluated: 2025-04-22. Review status: criteria provided, single submitter. Criteria: Invitae Variant Classification Sherloc (09022015). Collection method: clinical testing. Allele origin: germline.
Comment: This sequence change replaces methionine, which is neutral and non-polar, with leucine, which is neutral and non-polar, at codon 318 of the TEAD1 protein (p.Met318Leu). This variant is not present in population databases (gnomAD no frequency). This variant has not been reported in the literature in individuals affected with TEAD1-related conditions. ClinVar contains an entry for this variant (Variation ID: 1021680). Invitae Evidence Modeling of protein sequence and biophysical properties (such as structural, functional, and spatial information, amino acid conservation, physicochemical variation, residue mobility, and thermodynamic stability) indicates that this missense variant is not expected to disrupt TEAD1 protein function with a negative predictive value of 80%. In summary, the available evidence is currently insufficient to determine the role of this variant in disease. Therefore, it has been classified as a Variant of Uncertain Significance.